The following is an entry in ClinVar:

NM_015662.3(IFT172):c.178A>G (p.Met60Val)

Gene: IFT172 (intraflagellar transport 172; minus strand). Cytogenetic location: 2p23.3.
Variant type: single nucleotide variant.
Coding change: c.178A>G on transcript NM_015662.3 (MANE Select); coding-DNA position 178, A replaced by G.
Protein change: p.Met60Val; replaces methionine 60 with valine.
Molecular consequence: missense variant.
Genome position (GRCh38, 1-based): chr2:27,485,365, T>C on the plus strand (A>G on the coding strand, the complement: IFT172 is on the minus strand). VCF-style: chr2-27485365-T-C. GRCh37 (hg19) VCF-style: chr2-27708232-T-C.
Other names: c.178A>G (NM_015662.1); short protein forms M60V.
Identifiers: ClinVar variation 1514090 (VCV001514090.7), dbSNP rs758377122, ClinGen allele CA1581107.

ClinVar aggregate classification (germline): Uncertain significance. Review status: criteria provided, multiple submitters, no conflicts (2 of 4 stars). 3 submissions from 3 submitters: Uncertain significance (3). Last evaluated 2024-12-16.

Conditions:
Retinitis pigmentosa 71 (RP71). Identifiers: Orphanet 791, MedGen C4225342, MONDO:0014618, OMIM 616394.
Bardet-Biedl syndrome 20. Identifiers: MedGen C4310707, MONDO:0023670, OMIM 619471, MONDO:0014926.
Short-rib thoracic dysplasia 10 with or without polydactyly (SRTD10). Identifiers: Orphanet 474, MedGen C3810175, MONDO:0014284, OMIM 615630.
Inborn genetic diseases. Identifiers: MedGen C0950123, MeSH D030342.

Allele frequency attached by ClinVar (database versions not stated): gnomAD exomes below 0.00001 and 0.00001; ExAC 0.00001; gnomAD 0.00001; TOPMed 0.00001.

Submissions (3):

Labcorp Genetics (formerly Invitae), Labcorp
Classification: Uncertain significance for Retinitis pigmentosa 71; Short-rib thoracic dysplasia 10 with or without polydactyly. Last evaluated: 2024-12-16. Review status: criteria provided, single submitter. Criteria: Invitae Variant Classification Sherloc (09022015). Collection method: clinical testing. Allele origin: germline.
Comment: This sequence change replaces methionine, which is neutral and non-polar, with valine, which is neutral and non-polar, at codon 60 of the IFT172 protein (p.Met60Val). This variant is present in population databases (rs758377122, gnomAD 0.003%). This variant has not been reported in the literature in individuals affected with IFT172-related conditions. ClinVar contains an entry for this variant (Variation ID: 1514090). Invitae Evidence Modeling of protein sequence and biophysical properties (such as structural, functional, and spatial information, amino acid conservation, physicochemical variation, residue mobility, and thermodynamic stability) indicates that this missense variant is not expected to disrupt IFT172 protein function with a negative predictive value of 95%. In summary, the available evidence is currently insufficient to determine the role of this variant in disease. Therefore, it has been classified as a Variant of Uncertain Significance.

Ambry Genetics
Classification: Uncertain significance for Inborn genetic diseases. Last evaluated: 2023-02-15. Review status: criteria provided, single submitter. Criteria: Ambry Variant Classification Scheme 2023. Collection method: clinical testing. Allele origin: germline.

Fulgent Genetics
Classification: Uncertain significance for Short-rib thoracic dysplasia 10 with or without polydactyly; Retinitis pigmentosa 71; Bardet-Biedl syndrome 20. Last evaluated: 2022-03-25. Review status: criteria provided, single submitter. Criteria: ACMG Guidelines, 2015. Collection method: clinical testing. Allele origin: unknown.